The following is an entry in ClinVar:

ClinVar aggregate classification (germline): Uncertain significance (1 of 4 stars; one submission).

Submission:

GeneDx
Classification: Uncertain significance. Last evaluated: 2026-06-12. Review status: criteria provided, single submitter. Criteria: GeneDx Variant Classification Process June 2021. Collection method: clinical testing. Allele origin: germline.
Comment: Alters the Kozak sequence, which plays a major role in the initiation of translation; Not observed at significant frequency in large population cohorts (gnomAD); Has not been previously published as pathogenic or benign to our knowledge

NM_015557.3(CHD5):c.-1C>A

Gene: CHD5 (chromodomain helicase DNA binding protein 5; minus strand). Cytogenetic location: 1p36.31.
Variant type: single nucleotide variant.
Coding change: c.-1C>A on transcript NM_015557.3 (MANE Select); 1 bases upstream of the start codon, C replaced by A.
Molecular consequence: 5 prime UTR variant.
Genome position (GRCh38, 1-based): chr1:6,180,024, G>T on the plus strand (C>A on the coding strand, the complement: CHD5 is on the minus strand). VCF-style: chr1-6180024-G-T. GRCh37 (hg19) VCF-style: chr1-6240084-G-T.
Identifiers: ClinVar variation 4281937 (VCV004281937.2).